The following is an entry in ClinVar:

NM_014956.5(CEP164):c.2747G>C (p.Arg916Pro)

Gene: CEP164 (centrosomal protein 164; plus strand). Cytogenetic location: 11q23.3.
Variant type: single nucleotide variant.
Coding change: c.2747G>C on transcript NM_014956.5 (MANE Select); coding-DNA position 2747, G replaced by C.
Protein change: p.Arg916Pro; replaces arginine 916 with proline.
Molecular consequence: missense variant.
Genome position (GRCh38, 1-based): chr11:117,394,480, G>C. VCF-style: chr11-117394480-G-C. GRCh37 (hg19) VCF-style: chr11-117265196-G-C.
Other names: c.2747G>C (NM_014956.4); c.2756G>C, p.Arg919Pro (NM_001271933.2); short protein forms R919P, R916P.
Identifiers: ClinVar variation 1369335 (VCV001369335.8), dbSNP rs748681315, ClinGen allele CA6295200.

ClinVar aggregate classification (germline): Uncertain significance. Review status: criteria provided, multiple submitters, no conflicts (2 of 4 stars). 4 submissions from 4 submitters: Uncertain significance (4). Last evaluated 2025-10-02.

Conditions:
Nephronophthisis 15 (NPHP15). Identifiers: Orphanet 3156, MedGen C3541853, MONDO:0013917, OMIM 614845.
Inborn genetic diseases. Identifiers: MedGen C0950123, MeSH D030342.
CEP164-related disorder. Also called: CEP164-related condition.

gnomAD v4.1: 3 of 1,613,738 alleles (0.00019%); highest among the groups gnomAD compares: Admixed American, 0.0017%; no homozygotes.

Submissions (4):

Ambry Genetics
Classification: Uncertain significance for Inborn genetic diseases. Last evaluated: 2025-10-02. Review status: criteria provided, single submitter. Criteria: Ambry Variant Classification Scheme 2023. Collection method: clinical testing. Allele origin: germline.

GeneDx
Classification: Uncertain significance. Last evaluated: 2025-04-08. Review status: criteria provided, single submitter. Criteria: GeneDx Variant Classification Process June 2021. Collection method: clinical testing. Allele origin: germline. Affected: yes.
Comment: Not observed at significant frequency in large population cohorts (gnomAD); In silico analysis supports that this missense variant has a deleterious effect on protein structure/function; Has not been previously published as pathogenic or benign to our knowledge

PreventionGenetics, part of Exact Sciences
Classification: Uncertain significance for CEP164-related condition. Last evaluated: 2025-02-23. Review status: criteria provided, single submitter. Criteria: ACMG Guidelines, 2015. Collection method: clinical testing. Allele origin: germline.
Comment: The CEP164 c.2747G>C variant is predicted to result in the amino acid substitution p.Arg916Pro. To our knowledge, this variant has not been reported in the literature. This variant is reported in 0.0029% of alleles in individuals of Latino descent in gnomAD. At this time, the clinical significance of this variant is uncertain due to the absence of conclusive functional and genetic evidence.

Labcorp Genetics (formerly Invitae), Labcorp
Classification: Uncertain significance for Nephronophthisis 15. Last evaluated: 2022-06-12. Review status: criteria provided, single submitter. Criteria: Invitae Variant Classification Sherloc (09022015). Collection method: clinical testing. Allele origin: germline.
Comment: This sequence change replaces arginine, which is basic and polar, with proline, which is neutral and non-polar, at codon 916 of the CEP164 protein (p.Arg916Pro). This variant is present in population databases (rs748681315, gnomAD 0.003%). This variant has not been reported in the literature in individuals affected with CEP164-related conditions. Algorithms developed to predict the effect of missense changes on protein structure and function are either unavailable or do not agree on the potential impact of this missense change (SIFT: "Deleterious"; PolyPhen-2: "Probably Damaging"; Align-GVGD: "Class C0"). In summary, the available evidence is currently insufficient to determine the role of this variant in disease. Therefore, it has been classified as a Variant of Uncertain Significance.